The following is an entry in ClinVar:

NM_006978.3(RNF113A):c.599A>G (p.Asp200Gly)

Gene: RNF113A (ring finger protein 113A; minus strand). Cytogenetic location: Xq24.
Variant type: single nucleotide variant.
Coding change: c.599A>G on transcript NM_006978.3 (MANE Select); coding-DNA position 599, A replaced by G.
Protein change: p.Asp200Gly; replaces aspartic acid 200 with glycine.
Molecular consequence: missense variant.
Genome position (GRCh38, 1-based): chrX:119,871,015, T>C on the plus strand (A>G on the coding strand, the complement: RNF113A is on the minus strand). VCF-style: chrX-119871015-T-C. GRCh37 (hg19) VCF-style: chrX-119004978-T-C.
Other names: short protein forms D200G.
Identifiers: ClinVar variation 4540390 (VCV004540390.1).

ClinVar aggregate classification (germline): Uncertain significance (1 of 4 stars; one submission).

Submission:

GeneDx
Classification: Uncertain significance. Last evaluated: 2025-06-25. Review status: criteria provided, single submitter. Criteria: GeneDx Variant Classification Process June 2021. Collection method: clinical testing. Allele origin: germline. Affected: yes.
Comment: Not observed at significant frequency in large population cohorts (gnomAD); In silico analysis supports that this missense variant has a deleterious effect on protein structure/function; Has not been previously published as pathogenic or benign to our knowledge